The following is an entry in ClinVar:

NM_006017.3(PROM1):c.2281-9C>A

Gene: PROM1 (prominin 1; minus strand). Cytogenetic location: 4p15.32.
Variant type: single nucleotide variant.
Coding change: c.2281-9C>A on transcript NM_006017.3 (MANE Select); 9 bases into the intron before coding-DNA position 2281, C replaced by A.
Molecular consequence: intron variant.
Genome position (GRCh38, 1-based): chr4:15,984,364, G>T on the plus strand (C>A on the coding strand, the complement: PROM1 is on the minus strand). VCF-style: chr4-15984364-G-T. GRCh37 (hg19) VCF-style: chr4-15985987-G-T.
Other names: c.2254-9C>A (NM_001145848.2, NM_001145852.2, NM_001145847.2 and 4 more transcripts); c.2281-9C>A (NM_001145850.2, NM_001145849.2).
Identifiers: ClinVar variation 3684053 (VCV003684053.2).

ClinVar aggregate classification (germline): Uncertain significance (1 of 4 stars; one submission).

Submission:

Labcorp Genetics (formerly Invitae), Labcorp
Classification: Uncertain significance. Last evaluated: 2025-03-07. Review status: criteria provided, single submitter. Criteria: Invitae Variant Classification Sherloc (09022015). Collection method: clinical testing. Allele origin: germline.
Comment: This sequence change falls in intron 21 of the PROM1 gene. It does not directly change the encoded amino acid sequence of the PROM1 protein. This variant is not present in population databases (gnomAD no frequency). This variant has not been reported in the literature in individuals affected with PROM1-related conditions. Algorithms developed to predict the effect of sequence changes on RNA splicing suggest that this variant may disrupt the consensus splice site. In summary, the available evidence is currently insufficient to determine the role of this variant in disease. Therefore, it has been classified as a Variant of Uncertain Significance.